The following is an entry in ClinVar:

NM_001365925.2(NLGN1):c.2524A>G (p.Arg842Gly)

Gene: NLGN1 (neuroligin 1; plus strand). Cytogenetic location: 3q26.31.
Variant type: single nucleotide variant.
Coding change: c.2524A>G on transcript NM_001365925.2 (MANE Select); coding-DNA position 2524, A replaced by G.
Protein change: p.Arg842Gly; replaces arginine 842 with glycine.
Molecular consequence: missense variant.
Genome position (GRCh38, 1-based): chr3:174,281,295, A>G. VCF-style: chr3-174281295-A-G. GRCh37 (hg19) VCF-style: chr3-173999085-A-G.
Other names: c.2524A>G, p.Arg842Gly (NM_001365923.2, NM_001365924.2, NM_001365926.2 and 2 more transcripts); c.2464A>G, p.Arg822Gly (NM_001365929.2, NM_001365930.2, NM_001365931.2 and 3 more transcripts); c.2437A>G, p.Arg813Gly (NM_001365934.2, NM_001365935.2, NM_001365936.2); short protein forms R813G, R822G, R842G.
Identifiers: ClinVar variation 2654281 (VCV002654281.24), dbSNP rs2548805373, ClinGen allele CA355546392.

ClinVar aggregate classification (germline): Uncertain significance (1 of 4 stars; one submission).

Submission:

CeGaT Center for Human Genetics Tuebingen
Classification: Uncertain significance. Last evaluated: 2023-04-01. Review status: criteria provided, single submitter. Criteria: CeGaT Center For Human Genetics Tuebingen Variant Classification Criteria Version 2. Collection method: clinical testing. Allele origin: germline. Affected: yes. Observed: 1 variant allele.
Comment: NLGN1: PM2, PP3